The following is an entry in ClinVar:

NM_001182.5(ALDH7A1):c.229A>G (p.Ile77Val)

Gene: ALDH7A1 (aldehyde dehydrogenase 7 family member A1; minus strand). Cytogenetic location: 5q23.2.
Variant type: single nucleotide variant.
Coding change: c.229A>G on transcript NM_001182.5 (MANE Select); coding-DNA position 229, A replaced by G.
Protein change: p.Ile77Val; replaces isoleucine 77 with valine.
Molecular consequence: missense variant.
Genome position (GRCh38, 1-based): chr5:126,593,368, T>C on the plus strand (A>G on the coding strand, the complement: ALDH7A1 is on the minus strand). VCF-style: chr5-126593368-T-C. GRCh37 (hg19) VCF-style: chr5-125929060-T-C.
Other names: c.145A>G, p.Ile49Val (NM_001201377.2); c.229A>G, p.Ile77Val (NM_001202404.2); short protein forms I49V, I77V.
Identifiers: ClinVar variation 1789217 (VCV001789217.2), dbSNP rs756379659, ClinGen allele CA360733256.

ClinVar aggregate classification (germline): Uncertain significance (1 of 4 stars; one submission).

Conditions:
Inborn genetic diseases. Identifiers: MedGen C0950123, MeSH D030342.

gnomAD v4.1: 1 of 1,613,242 alleles (0.000062%); highest among the groups gnomAD compares: Non-Finnish European, 0.000085%; no homozygotes.

Submission:

Ambry Genetics
Classification: Uncertain significance for Inborn genetic diseases. Last evaluated: 2020-02-03. Review status: criteria provided, single submitter. Criteria: Ambry Variant Classification Scheme 2023. Collection method: clinical testing. Allele origin: germline.
Comment: The p.I77V variant (also known as c.229A>G), located in coding exon 2 of the ALDH7A1 gene, results from an A to G substitution at nucleotide position 229. The isoleucine at codon 77 is replaced by valine, an amino acid with highly similar properties. This amino acid position is highly conserved in available vertebrate species. In addition, the in silico prediction for this alteration is inconclusive. Since supporting evidence is limited at this time, the clinical significance of this alteration remains unclear.